The following is an entry in ClinVar:

NM_000059.4(BRCA2):c.6970C>T (p.His2324Tyr)

Gene: BRCA2 (BRCA2 DNA repair associated; plus strand). Cytogenetic location: 13q13.1.
Variant type: single nucleotide variant.
Coding change: c.6970C>T on transcript NM_000059.4 (MANE Select); coding-DNA position 6970, C replaced by T.
Protein change: p.His2324Tyr; replaces histidine 2324 with tyrosine.
Molecular consequence: missense variant. On other transcripts: non-coding transcript variant (1).
Genome position (GRCh38, 1-based): chr13:32,346,859, C>T. VCF-style: chr13-32346859-C-T. GRCh37 (hg19) VCF-style: chr13-32920996-C-T.
Other names: c.553C>T, p.His185Tyr (NM_001406722.1); c.6874C>T, p.His2292Tyr (NM_001406719.1); c.6970C>T, p.His2324Tyr (NM_001406720.1); c.2038C>T, p.His680Tyr (NM_001406721.1); short protein forms H185Y, H2292Y, H2324Y, H680Y.
Identifiers: ClinVar variation 3228131 (VCV003228131.2), dbSNP rs764434091, ClinGen allele CA6941033.

ClinVar aggregate classification (germline): Conflicting classifications of pathogenicity. Review status: criteria provided, conflicting classifications (1 of 4 stars). 2 submissions from 2 submitters: Uncertain significance (1); Likely benign (1). Last evaluated 2025-07-03.

Conditions:
Hereditary cancer-predisposing syndrome. Also called: Neoplastic Syndromes, Hereditary; Tumor predisposition; Hereditary neoplastic syndrome; Hereditary Cancer Syndrome. Identifiers: Orphanet 140162, MedGen C0027672, MeSH D009386, MONDO:0015356.

Allele frequency attached by ClinVar (database versions not stated): ExAC 0.00001; gnomAD 0.00001.
gnomAD v4.1: 1 of 1,610,052 alleles (0.000062%); highest among the groups gnomAD compares: Non-Finnish European, 0.000085%; no homozygotes.

Submissions (2):

Color Diagnostics, LLC DBA Color Health
Classification: Likely benign for Hereditary cancer-predisposing syndrome. Last evaluated: 2025-07-03. Review status: criteria provided, single submitter. Criteria: ACMG Guidelines, 2015. Collection method: clinical testing. Allele origin: germline.

Ambry Genetics
Classification: Uncertain significance for Hereditary cancer-predisposing syndrome. Last evaluated: 2024-02-07. Review status: criteria provided, single submitter. Criteria: Ambry Variant Classification Scheme 2023. Collection method: clinical testing. Allele origin: germline.
Comment: The p.H2324Y variant (also known as c.6970C>T), located in coding exon 12 of the BRCA2 gene, results from a C to T substitution at nucleotide position 6970. The histidine at codon 2324 is replaced by tyrosine, an amino acid with similar properties. This amino acid position is well conserved in available vertebrate species. In addition, the in silico prediction for this alteration is inconclusive. Based on the available evidence, the clinical significance of this alteration remains unclear.